The following is an entry in ClinVar:

NM_018136.5(ASPM):c.5462T>C (p.Ile1821Thr)

Gene: ASPM (assembly factor for spindle microtubules; minus strand). Cytogenetic location: 1q31.3.
Variant type: single nucleotide variant.
Coding change: c.5462T>C on transcript NM_018136.5 (MANE Select); coding-DNA position 5462, T replaced by C.
Protein change: p.Ile1821Thr; replaces isoleucine 1821 with threonine.
Molecular consequence: missense variant. On other transcripts: intron variant (1).
Genome position (GRCh38, 1-based): chr1:197,103,789, A>G on the plus strand (T>C on the coding strand, the complement: ASPM is on the minus strand). VCF-style: chr1-197103789-A-G. GRCh37 (hg19) VCF-style: chr1-197072919-A-G.
Other names: c.4066-7625T>C (NM_001206846.2); short protein forms I1821T.
Identifiers: ClinVar variation 1307182 (VCV001307182.2), dbSNP rs2125095876, ClinGen allele CA344026513.
Genomic context (GRCh38, chr1:197,103,789, plus strand): 5'-CTTTTATTATAGCCTCTAAAAGCAGACTGAATTTTAAGAGCAGCTATAGATTGTTGTTTG[A>G]TTAGCTGGCGTACTTTATAACCTCTGTAAGCTGCTTGCAAGCAAGTAGCTGCTTTTTTGA-3'
Protein context (NP_060606.3, residues 1811-1831): AYRGYKVRQL[Ile1821Thr]KQQSIAALKI

ClinVar aggregate classification (germline): Uncertain significance (1 of 4 stars; one submission).

Submission:

GeneDx
Classification: Uncertain significance. Last evaluated: 2019-07-24. Review status: criteria provided, single submitter. Criteria: GeneDx Variant Classification Process June 2021. Collection method: clinical testing. Allele origin: germline. Affected: yes.
Comment: Not observed in large population cohorts (Lek et al., 2016); In silico analysis, which includes protein predictors and evolutionary conservation, supports that this variant does not alter protein structure/function; Has not been previously published as pathogenic or benign to our knowledge